The following is an entry in ClinVar:

NM_005720.4(ARPC1B):c.1059_1080+1dup

Gene: ARPC1B (actin related protein 2/3 complex subunit 1B; plus strand). Cytogenetic location: 7q22.1.
Variant type: Duplication.
Coding change: c.1059_1080+1dup on transcript NM_005720.4 (MANE Select); coding-DNA position 1059 through the canonical splice donor site of the intron after coding-DNA position 1080, 23 bases duplicated (CATGAGTATCTGGGATGTGAAGG).
Molecular consequence: splice donor variant.
Genome position (GRCh38, 1-based): chr7:99,394,098-99,394,120, CATGAGTATCTGGGATGTGAAGG duplicated; duplicating any 23 consecutive bases within chr7:99,394,096-99,394,120 gives the same sequence; the c. name uses the placement nearest the transcript's 3' end. VCF-style (leftmost placement, unchanged base first): chr7-99394095-C-CGGCATGAGTATCTGGGATGTGAA. GRCh37 (hg19) VCF-style: chr7-98991718-C-CGGCATGAGTATCTGGGATGTGAA.
Identifiers: ClinVar variation 1414148 (VCV001414148.5), dbSNP rs1562819864, ClinGen allele CA576396263.

ClinVar aggregate classification (germline): Uncertain significance (1 of 4 stars; one submission).

Submission:

Labcorp Genetics (formerly Invitae), Labcorp
Classification: Uncertain significance. Last evaluated: 2021-08-15. Review status: criteria provided, single submitter. Criteria: Invitae Variant Classification Sherloc (09022015). Collection method: clinical testing. Allele origin: germline.
Comment: This sequence change creates a premature translational stop signal (p.Ser361Alafs*2) in the ARPC1B gene. While this is not anticipated to result in nonsense mediated decay, it is expected to disrupt the last 12 amino acid(s) of the ARPC1B protein. This variant is not present in population databases (ExAC no frequency). This variant has not been reported in the literature in individuals affected with ARPC1B-related conditions. Algorithms developed to predict the effect of sequence changes on RNA splicing suggest that this variant may disrupt the consensus splice site. In summary, the available evidence is currently insufficient to determine the role of this variant in disease. Therefore, it has been classified as a Variant of Uncertain Significance.